The following is an entry in ClinVar:

ClinVar aggregate classification (germline): Uncertain significance (1 of 4 stars; one submission).

Conditions:
Charcot-Marie-Tooth disease axonal type 2O. Also called: Charcot-Marie-Tooth disease, axonal, type 20; CHARCOT-MARIE-TOOTH NEUROPATHY, AXONAL, TYPE 2O; CHARCOT-MARIE-TOOTH DISEASE, AXONAL, AUTOSOMAL DOMINANT, TYPE 2O; Charcot-Marie-Tooth Neuropathy Type 2O. Identifiers: Orphanet 284232, MedGen C3280220, MONDO:0013644, OMIM 614228.

Submission:

Labcorp Genetics (formerly Invitae), Labcorp
Classification: Uncertain significance for Charcot-Marie-Tooth disease axonal type 2O. Last evaluated: 2025-04-08. Review status: criteria provided, single submitter. Criteria: Invitae Variant Classification Sherloc (09022015). Collection method: clinical testing. Allele origin: germline.
Comment: This sequence change replaces serine, which is neutral and polar, with phenylalanine, which is neutral and non-polar, at codon 1149 of the DYNC1H1 protein (p.Ser1149Phe). This variant is not present in population databases (gnomAD no frequency). This variant has not been reported in the literature in individuals affected with DYNC1H1-related conditions. An algorithm developed to predict the effect of missense changes on protein structure and function (PolyPhen-2) suggests that this variant is likely to be disruptive. In summary, the available evidence is currently insufficient to determine the role of this variant in disease. Therefore, it has been classified as a Variant of Uncertain Significance.

NM_001376.5(DYNC1H1):c.3446C>T (p.Ser1149Phe)

Gene: DYNC1H1 (dynein cytoplasmic 1 heavy chain 1; plus strand). Cytogenetic location: 14q32.31.
Variant type: single nucleotide variant.
Coding change: c.3446C>T on transcript NM_001376.5 (MANE Select); coding-DNA position 3446, C replaced by T.
Protein change: p.Ser1149Phe; replaces serine 1149 with phenylalanine.
Molecular consequence: missense variant.
Genome position (GRCh38, 1-based): chr14:101,995,182, C>T. VCF-style: chr14-101995182-C-T. GRCh37 (hg19) VCF-style: chr14-102461519-C-T.
Other names: short protein forms S1149F.
Identifiers: ClinVar variation 4736987 (VCV004736987.1).
Genomic context (GRCh38, chr14:101,995,182, plus strand): 5'-TAACCGGTCTACTGGTGAACCCCAGCTCTGTGATGAAATACTCCCCTCTCTCTGAACAGT[C>T]CCGCCAAGAGTTGGAGCAGCACTCAGTAGACACGGCCAGCACCTCCGATGCAGTGACCTT-3'
Protein context (NP_001367.2, residues 1139-1159): MTEFHSQISK[Ser1149Phe]RQELEQHSVD